The following is an entry in ClinVar:

NM_080826.2(ISM1):c.14C>T (p.Ala5Val)

Genes: ISM1 (isthmin 1; plus strand), TASP1 (taspase 1; minus strand). Cytogenetic location: 20p12.1.
Variant type: single nucleotide variant.
Coding change: c.14C>T on transcript NM_080826.2 (MANE Select); coding-DNA position 14, C replaced by T.
Protein change: p.Ala5Val; replaces alanine 5 with valine.
Molecular consequence: missense variant.
Genome position (GRCh38, 1-based): chr20:13,221,790, C>T. VCF-style: chr20-13221790-C-T. GRCh37 (hg19) VCF-style: chr20-13202437-C-T.
Other names: short protein forms A5V.
Identifiers: ClinVar variation 3031214 (VCV003031214.2), dbSNP rs1301553773, ClinGen allele CA408287270.
Genomic context (GRCh38, chr20:13,221,790, plus strand): 5'-CGCCGCCGGCCGCCGCGCCGGGTCCTAAAGCCGCGCGTCTCAAAAGGATGGTGCGCCTGG[C>T]GGCCGAGCTGCTGCTGCTGCTGGGGCTGCTGCTGCTCACGCTGCACATCACCGTGCTGCG-3'
Protein context (NP_543016.1, residues 1-15): MVRL[Ala5Val]AELLLLLGLL

ClinVar aggregate classification (germline): Uncertain significance (0 of 4 stars; one submission).

Conditions:
ISM1-related disorder. Also called: ISM1-related condition.

gnomAD v4.1: 1 of 1,451,306 alleles (0.000069%); highest among the groups gnomAD compares: Non-Finnish European, 0.00009%; no homozygotes.

Submission:

PreventionGenetics, part of Exact Sciences
Classification: Uncertain significance for ISM1-related condition. Last evaluated: 2024-02-02. Review status: no assertion criteria provided. Collection method: clinical testing. Allele origin: germline.
Comment: The ISM1 c.14C>T variant is predicted to result in the amino acid substitution p.Ala5Val. To our knowledge, this variant has not been reported in the literature or in a large population database, indicating this variant is rare. At this time, the clinical significance of this variant is uncertain due to the absence of conclusive functional and genetic evidence.